The following is an entry in ClinVar:

NM_001368397.1(FRMPD4):c.194G>A (p.Arg65Gln)

Gene: FRMPD4 (FERM and PDZ domain containing 4; plus strand). Cytogenetic location: Xp22.2.
Variant type: single nucleotide variant.
Coding change: c.194G>A on transcript NM_001368397.1 (MANE Select); coding-DNA position 194, G replaced by A.
Protein change: p.Arg65Gln; replaces arginine 65 with glutamine.
Molecular consequence: missense variant.
Genome position (GRCh38, 1-based): chrX:12,609,756, G>A. VCF-style: chrX-12609756-G-A. GRCh37 (hg19) VCF-style: chrX-12627875-G-A.
Other names: c.305G>A, p.Arg102Gln (NM_001368395.3, NM_001368398.3); c.194G>A, p.Arg65Gln (NM_001368396.3, NM_014728.3); c.185G>A, p.Arg62Gln (NM_001368399.3); c.74G>A, p.Arg25Gln (NM_001368400.3); c.170G>A, p.Arg57Gln (NM_001368401.1, NM_001368402.3); short protein forms R102Q, R25Q, R57Q, R62Q, R65Q.
Identifiers: ClinVar variation 1304522 (VCV001304522.2), dbSNP rs1223671235, ClinGen allele CA412067960.
Genomic context (GRCh38, chrX:12,609,756, plus strand): 5'-TCTCTTGTATGTGCTTTCTCCACAGTCACATGACACAGGCAATCCCTTTTGACGACCCTC[G>A]GTTAGAGAGCTGCCAAATCATCCCTCCGGCTCCTCGGAAGGTGGAGATGAGAAGGGACCC-3'
Protein context (NP_001355326.1, residues 55-75): MTQAIPFDDP[Arg65Gln]LESCQIIPPA

ClinVar aggregate classification (germline): Uncertain significance (1 of 4 stars; one submission).

Allele frequency attached by ClinVar (database versions not stated): gnomAD exomes below 0.00001 and 0.00001; TOPMed below 0.00001.
gnomAD v4.1: 3 of 1,208,066 alleles (0.00025%); highest among the groups gnomAD compares: African/African-American, 0.0035%; no homozygotes.

Submission:

GeneDx
Classification: Uncertain significance. Last evaluated: 2019-02-07. Review status: criteria provided, single submitter. Criteria: GeneDx Variant Classification Process June 2021. Collection method: clinical testing. Allele origin: germline. Affected: yes.
Comment: In silico analysis, which includes protein predictors and evolutionary conservation, supports that this variant does not alter protein structure/function; Has not been previously published as pathogenic or benign to our knowledge